The following is an entry in ClinVar:

NM_017617.5(NOTCH1):c.3172-12A>G

Gene: NOTCH1 (notch receptor 1; minus strand). Cytogenetic location: 9q34.3.
Variant type: single nucleotide variant.
Coding change: c.3172-12A>G on transcript NM_017617.5 (MANE Select); 12 bases into the intron before coding-DNA position 3172, A replaced by G.
Molecular consequence: intron variant.
Genome position (GRCh38, 1-based): chr9:136,508,397, T>C on the plus strand (A>G on the coding strand, the complement: NOTCH1 is on the minus strand). VCF-style: chr9-136508397-T-C. GRCh37 (hg19) VCF-style: chr9-139402849-T-C.
Other names: c.3172-12A>G (LRG_1122t1).
Identifiers: ClinVar variation 390741 (VCV000390741.10), dbSNP rs547259185, ClinGen allele CA5341030.
Genomic context (GRCh38, chr9:136,508,397, plus strand): 5'-ATTTGCCGCCGTTCTTGCAGGGCGAGGAGTCACACCAGTGCACAAGGTTCTGGGGACAGA[T>C]TGGGGTCAGCTGGGTGCCCGCGCCCCGGCCATTTCCCCGGTAGCTCAGAACGCACATCTG-3'

ClinVar aggregate classification (germline): Conflicting classifications of pathogenicity. Review status: criteria provided, conflicting classifications (1 of 4 stars). 5 submissions from 4 submitters: Uncertain significance (1); Likely benign (4). Last evaluated 2025-12-16.

Conditions:
Aortic valve disease 1 (AOVD1). Identifiers: MedGen C3887892, MONDO:0024523, OMIM 109730.
Adams-Oliver syndrome 5 (AOS5). Identifiers: Orphanet 974, MedGen C4014970, MONDO:0014459, OMIM 616028.

Allele frequency attached by ClinVar (database versions not stated): gnomAD 0.00002 and 0.00003; TOPMed 0.00002.
gnomAD v4.1: 42 of 1,613,024 alleles (0.0026%); highest among the groups gnomAD compares: African/African-American, 0.017%; 1 homozygote.

Submissions (5):

Labcorp Genetics (formerly Invitae), Labcorp
Classification: Likely benign for Adams-Oliver syndrome 5. Last evaluated: 2025-12-16. Review status: criteria provided, single submitter. Criteria: Invitae Variant Classification Sherloc (09022015). Collection method: clinical testing. Allele origin: germline.

Fulgent Genetics
Classification: Uncertain significance for Aortic valve disease 1; Adams-Oliver syndrome 5. Last evaluated: 2024-05-21. Review status: criteria provided, single submitter. Criteria: ACMG Guidelines, 2015. Collection method: clinical testing. Allele origin: germline.

Genome-Nilou Lab
Classification: Likely benign for Adams-Oliver syndrome 5. Last evaluated: 2022-03-15. Review status: criteria provided, single submitter. Criteria: ACMG Guidelines, 2015. Collection method: clinical testing. Allele origin: germline. Affected: no.

Genome-Nilou Lab
Classification: Likely benign for Aortic valve disease 1. Last evaluated: 2022-03-15. Review status: criteria provided, single submitter. Criteria: ACMG Guidelines, 2015. Collection method: clinical testing. Allele origin: germline. Affected: no.

GeneDx
Classification: Likely benign. Last evaluated: 2017-08-29. Review status: criteria provided, single submitter. Criteria: GeneDx Variant Classification (06012015). Collection method: clinical testing. Allele origin: germline. Affected: yes.
Comment: This variant is considered likely benign or benign based on one or more of the following criteria: it is a conservative change, it occurs at a poorly conserved position in the protein, it is predicted to be benign by multiple in silico algorithms, and/or has population frequency not consistent with disease.